The following is an entry in ClinVar:

NM_022173.4(TIA1):c.474+1G>A

Gene: TIA1 (TIA1 cytotoxic granule associated RNA binding protein; minus strand). Cytogenetic location: 2p13.3.
Variant type: single nucleotide variant.
Coding change: c.474+1G>A on transcript NM_022173.4 (MANE Select); the canonical splice donor site of the intron after coding-DNA position 474, G replaced by A.
Molecular consequence: splice donor variant. On other transcripts: missense variant (3), 3 prime UTR variant (2).
Genome position (GRCh38, 1-based): chr2:70,224,553, C>T on the plus strand (G>A on the coding strand, the complement: TIA1 is on the minus strand). VCF-style: chr2-70224553-C-T. GRCh37 (hg19) VCF-style: chr2-70451685-C-T.
Other names: c.475G>A, p.Val159Met (NM_001351519.2); c.*108G>A (NM_001351520.2); c.442G>A, p.Val148Met (NM_001351521.2); c.*106G>A (NM_001351522.2); c.247G>A, p.Val83Met (NM_001351523.2); c.330+1G>A (NM_001351513.1); c.363+1G>A (NM_001351511.1); c.336+1G>A (NM_001351512.1); and 6 more; short protein forms V159M, V83M, V148M.
Identifiers: ClinVar variation 3641317 (VCV003641317.2).

ClinVar aggregate classification (germline): Uncertain significance (1 of 4 stars; one submission).

Conditions:
Welander distal myopathy (WDM). Also called: MUSCULAR DYSTROPHY, DISTAL, LATE-ONSET, AUTOSOMAL DOMINANT; Gower's muscular dystrophy; Welander distal myopathy, Swedish type; Distal myopathy, Swedish type. Identifiers: Orphanet 603, MedGen C0221054, MONDO:0011466, OMIM 604454.

Submission:

Labcorp Genetics (formerly Invitae), Labcorp
Classification: Uncertain significance for Welander distal myopathy. Last evaluated: 2024-11-12. Review status: criteria provided, single submitter. Criteria: Invitae Variant Classification Sherloc (09022015). Collection method: clinical testing. Allele origin: germline.
Comment: This sequence change affects a donor splice site in intron 7 of the TIA1 gene. It is expected to disrupt RNA splicing. Variants that disrupt the donor or acceptor splice site typically lead to a loss of protein function (PMID: 16199547), however the current clinical and genetic evidence is not sufficient to establish whether loss-of-function variants in TIA1 cause disease. This variant is not present in population databases (gnomAD no frequency). This variant has not been reported in the literature in individuals affected with TIA1-related conditions. Algorithms developed to predict the effect of sequence changes on RNA splicing suggest that this variant may disrupt the consensus splice site. In summary, the available evidence is currently insufficient to determine the role of this variant in disease. Therefore, it has been classified as a Variant of Uncertain Significance.

Literature cited by the submitters: PubMed 16199547.